The following is an entry in ClinVar:

ClinVar aggregate classification (germline): Pathogenic (1 of 4 stars; one submission).

Conditions:
Ehlers-Danlos syndrome, dermatosparaxis type. Also called: EDS VIIC; Dermatosparaxis; Ehlers-Danlos syndrome, type VII, autosomal recessive. Identifiers: Orphanet 1901, MedGen C2700425, MONDO:0009161, OMIM 225410.

Submission:

Myriad Genetics, Inc.
Classification: Pathogenic for Ehlers-Danlos syndrome, dermatosparaxis type. Last evaluated: 2024-05-14. Review status: criteria provided, single submitter. Criteria: Myriad Autosomal Dominant, Autosomal Recessive and X-Linked Classification Criteria (2023). Collection method: clinical testing. Allele origin: unknown.
Comment: NM_014244.4(ADAMTS2):c.108_112del5ins4(N36Kfs*129) is expected to be pathogenic in the context of Ehlers-Danlos syndrome, ADAMTS2-related. This variant is predicted to lead to an abnormal or absent protein product due to the creation of a premature termination codon in ADAMTS2, a gene where loss-of-function variants are known to be pathogenic. Please note: this variant was assessed in the context of healthy population screening.

NM_014244.5(ADAMTS2):c.108_112delinsGCAT (p.Asn36fs)

Gene: ADAMTS2 (ADAM metallopeptidase with thrombospondin type 1 motif 2; minus strand). Cytogenetic location: 5q35.3.
Variant type: Indel.
Coding change: c.108_112delinsGCAT on transcript NM_014244.5 (MANE Select); coding-DNA positions 108 to 112, CGCCA replaced by GCAT.
Protein change: p.Asn36fs; shifts the reading frame from asparagine 36.
Molecular consequence: frameshift variant.
Genome position (GRCh38, 1-based): chr5:179,345,217-179,345,221, TGGCG replaced by ATGC on the plus strand (CGCCA replaced by GCAT on the coding strand, the reverse complement: ADAMTS2 is on the minus strand). VCF-style: chr5-179345217-TGGCG-ATGC. GRCh37 (hg19) VCF-style: chr5-178772218-TGGCG-ATGC.
Other names: c.108_112delinsGCAT, p.Asn36fs (NM_021599.4); short protein forms N36fs.
Identifiers: ClinVar variation 5011049 (VCV005011049.1).